The following is an entry in ClinVar:

ClinVar aggregate classification (germline): Pathogenic/Likely pathogenic. Review status: criteria provided, multiple submitters, no conflicts (2 of 4 stars). 5 submissions from 5 submitters: Pathogenic (1); Likely pathogenic (2). 2 of the submissions do not count toward it. Last evaluated 2025-11-23.

Conditions:
Fraser syndrome 1 (FRASRS1). Also called: CRYPTOPHTHALMOS WITH OTHER MALFORMATIONS. Identifiers: Orphanet 2052, MedGen C4551480, MONDO:0054737, OMIM 219000.

gnomAD v4.1: 10 of 1,613,836 alleles (0.00062%); highest among the groups gnomAD compares: Non-Finnish European, 0.00085%; no homozygotes.

Submissions (5):

Labcorp Genetics (formerly Invitae), Labcorp
Classification: Pathogenic. Last evaluated: 2025-11-23. Review status: criteria provided, single submitter. Criteria: Invitae Variant Classification Sherloc (09022015). Collection method: clinical testing. Allele origin: germline.
Comment: This sequence change creates a premature translational stop signal (p.Arg2145*) in the FRAS1 gene. It is expected to result in an absent or disrupted protein product. Loss-of-function variants in FRAS1 are known to be pathogenic (PMID: 12766769, 18671281). This variant is present in population databases (rs756005814, gnomAD 0.0009%). This premature translational stop signal has been observed in individual(s) with FRAS1-related conditions (PMID: 34974531). ClinVar contains an entry for this variant (Variation ID: 1027395). For these reasons, this variant has been classified as Pathogenic.

Fulgent Genetics
Classification: Likely pathogenic for Fraser syndrome 1. Last evaluated: 2024-06-18. Review status: criteria provided, single submitter. Criteria: ACMG Guidelines, 2015. Collection method: clinical testing. Allele origin: germline.

Women's Health and Genetics/Laboratory Corporation of America, LabCorp
Classification: Likely pathogenic for Fraser syndrome 1. Last evaluated: 2022-11-03. Review status: criteria provided, single submitter. Criteria: LabCorp Variant Classification Summary - May 2015. Collection method: clinical testing. Allele origin: germline.
Comment: Variant summary: FRAS1 c.6433C>T (p.Arg2145X) results in a premature termination codon, predicted to cause a truncation of the encoded protein or absence of the protein due to nonsense mediated decay, which are commonly known mechanisms for disease. Truncations downstream of this position have been classified as pathogenic by our laboratory. The variant allele was found at a frequency of 4e-06 in 249164 control chromosomes (gnomAD). c.6433C>T has been reported in the literature in one compound heterozygous individual affected with FRAS1 related disorders (Smogavec_2022). These data do not allow any conclusion about variant significance. To our knowledge, no experimental evidence demonstrating an impact on protein function has been reported. One ClinVar submitter (evaluation after 2014) cites the variant as pathogenic. Based on the evidence outlined above, the variant was classified as likely pathogenic.

Institute of Medical Genetics, Medical University of Vienna
Classification: Pathogenic for Fraser syndrome 1. Last evaluated: 2021-03-10. Review status: no assertion criteria provided. Collection method: clinical testing. Allele origin: germline. Affected: yes. Not counted in ClinVar's aggregate classification.

Genomic Medicine Center of Excellence, King Faisal Specialist Hospital and Research Centre
Classification: Uncertain significance for Fraser syndrome 1. Last evaluated: 2024-03-25. Review status: flagged submission. Criteria: ACMG Guidelines, 2015. Collection method: clinical testing. Allele origin: germline. Not counted in ClinVar's aggregate classification.
ClinVar note: Reason: Outlier claim with insufficient supporting evidence

Literature cited by the submitters: PubMed 12766769 (cited by Labcorp Genetics (formerly Invitae), Labcorp); PubMed 18671281 (cited by Labcorp Genetics (formerly Invitae), Labcorp); PubMed 34974531 (cited by Labcorp Genetics (formerly Invitae), Labcorp and Women's Health and Genetics/Laboratory Corporation of America, LabCorp).

NM_025074.7(FRAS1):c.6433C>T (p.Arg2145Ter)

Gene: FRAS1 (Fraser extracellular matrix complex subunit 1; plus strand). Cytogenetic location: 4q21.21.
Variant type: single nucleotide variant.
Coding change: c.6433C>T on transcript NM_025074.7 (MANE Select); coding-DNA position 6433, C replaced by T.
Protein change: p.Arg2145Ter; replaces arginine 2145 with a stop codon.
Molecular consequence: nonsense.
Genome position (GRCh38, 1-based): chr4:78,450,309, C>T. VCF-style: chr4-78450309-C-T. GRCh37 (hg19) VCF-style: chr4-79371463-C-T.
Other names: short protein forms R2145*.
Identifiers: ClinVar variation 1027395 (VCV001027395.6), dbSNP rs756005814, ClinGen allele CA2977779.